The following is an entry in ClinVar:

NM_001065.4(TNFRSF1A):c.811C>T (p.Pro271Ser)

Gene: TNFRSF1A (TNF receptor superfamily member 1A; minus strand). Cytogenetic location: 12p13.31.
Variant type: single nucleotide variant.
Coding change: c.811C>T on transcript NM_001065.4 (MANE Select); coding-DNA position 811, C replaced by T.
Protein change: p.Pro271Ser; replaces proline 271 with serine.
Molecular consequence: missense variant. On other transcripts: non-coding transcript variant (1).
Genome position (GRCh38, 1-based): chr12:6,330,024, G>A on the plus strand (C>T on the coding strand, the complement: TNFRSF1A is on the minus strand). VCF-style: chr12-6330024-G-A. GRCh37 (hg19) VCF-style: chr12-6439190-G-A.
Other names: c.487C>T, p.Pro163Ser (NM_001346091.2); c.352C>T, p.Pro118Ser (NM_001346092.2); short protein forms P163S, P118S, P271S.
Identifiers: ClinVar variation 844079 (VCV000844079.9), dbSNP rs202207247, ClinGen allele CA6405350.

ClinVar aggregate classification (germline): Uncertain significance (1 of 4 stars; one submission).

Conditions:
TNF receptor-associated periodic fever syndrome (TRAPS) (FPF). Also called: TNF RECEPTOR-ASSOCIATED PERIODIC SYNDROME; TUMOR NECROSIS FACTOR RECEPTOR-ASSOCIATED PERIODIC SYNDROME; FAMILIAL HIBERNIAN FEVER; TNF receptor 1-associated periodic fever syndrome; TNF Receptor-Associated Periodic Fever Syndrome; Autosomal Dominant Familial Periodic Fever. Identifiers: Orphanet 32960, MedGen C1275126, MONDO:0007727, OMIM 142680.

Allele frequency attached by ClinVar (database versions not stated): gnomAD 0.00001; TOPMed 0.00001; ExAC 0.00007.
gnomAD v4.1: 28 of 1,611,826 alleles (0.0017%); highest among the groups gnomAD compares: South Asian, 0.03%; 1 homozygote.

Submission:

Labcorp Genetics (formerly Invitae), Labcorp
Classification: Uncertain significance for TNF receptor-associated periodic fever syndrome (TRAPS). Last evaluated: 2025-08-18. Review status: criteria provided, single submitter. Criteria: Invitae Variant Classification Sherloc (09022015). Collection method: clinical testing. Allele origin: germline.
Comment: This sequence change replaces proline, which is neutral and non-polar, with serine, which is neutral and polar, at codon 271 of the TNFRSF1A protein (p.Pro271Ser). This variant is present in population databases (rs202207247, gnomAD 0.03%). This missense change has been observed in individual(s) with clinical features of TNFRSF1A-related conditions (internal data). ClinVar contains an entry for this variant (Variation ID: 844079). Invitae Evidence Modeling of protein sequence and biophysical properties (such as structural, functional, and spatial information, amino acid conservation, physicochemical variation, residue mobility, and thermodynamic stability) has been performed for this missense variant. However, the output from this modeling did not meet the statistical confidence thresholds required to predict the impact of this variant on TNFRSF1A protein function. In summary, the available evidence is currently insufficient to determine the role of this variant in disease. Therefore, it has been classified as a Variant of Uncertain Significance.